The following is an entry in ClinVar:

ClinVar aggregate classification (germline): Uncertain significance (1 of 4 stars; one submission).

Submission:

Ambry Genetics
Classification: Uncertain significance. Last evaluated: 2025-06-14. Review status: criteria provided, single submitter. Criteria: Ambry Variant Classification Scheme 2023. Collection method: clinical testing. Allele origin: germline.
Comment: The p.L2125M variant (also known as c.6373C>A), located in coding exon 27 of the WNK2 gene, results from a C to A substitution at nucleotide position 6373. The leucine at codon 2125 is replaced by methionine, an amino acid with highly similar properties. This amino acid position is conserved. In addition, the in silico prediction for this alteration is inconclusive. Based on the available evidence, the clinical significance of this variant remains unclear.

NM_006648.4(WNK2):c.6373C>A (p.Leu2125Met)

Gene: WNK2 (WNK lysine deficient protein kinase 2; plus strand). Cytogenetic location: 9q22.31.
Variant type: single nucleotide variant.
Coding change: c.6373C>A on transcript NM_006648.4 (MANE Select); coding-DNA position 6373, C replaced by A.
Protein change: p.Leu2125Met; replaces leucine 2125 with methionine.
Molecular consequence: missense variant.
Genome position (GRCh38, 1-based): chr9:93,308,441, C>A. VCF-style: chr9-93308441-C-A. GRCh37 (hg19) VCF-style: chr9-96070723-C-A.
Other names: c.6484C>A, p.Leu2162Met (NM_001282394.3); short protein forms L2162M, L2125M.
Identifiers: ClinVar variation 3982216 (VCV003982216.1).